The following is an entry in ClinVar:

NM_001395413.1(POR):c.308A>G (p.His103Arg)

Gene: POR (cytochrome p450 oxidoreductase; plus strand). Cytogenetic location: 7q11.23.
Variant type: single nucleotide variant.
Coding change: c.308A>G on transcript NM_001395413.1 (MANE Select); coding-DNA position 308, A replaced by G.
Protein change: p.His103Arg; replaces histidine 103 with arginine.
Molecular consequence: missense variant.
Genome position (GRCh38, 1-based): chr7:75,979,530, A>G. VCF-style: chr7-75979530-A-G. GRCh37 (hg19) VCF-style: chr7-75608848-A-G.
Other names: c.308A>G, p.His103Arg (NM_001367562.3, NM_001382657.2, NM_001382658.3 and 2 more transcripts); c.362A>G, p.His121Arg (NM_001382655.3); short protein forms H103R, H121R.
Identifiers: ClinVar variation 909408 (VCV000909408.14), dbSNP rs200622912, ClinGen allele CA4303582.

ClinVar aggregate classification (germline): Conflicting classifications of pathogenicity. Review status: criteria provided, conflicting classifications (1 of 4 stars). 3 submissions from 3 submitters: Uncertain significance (2); Likely benign (1). Last evaluated 2026-01-14.

Conditions:
Congenital adrenal hyperplasia due to cytochrome P450 oxidoreductase deficiency. Also called: DISORDERED STEROIDOGENESIS DUE TO POR DEFICIENCY. Identifiers: Orphanet 95699, MedGen C1860042, MONDO:0013310, OMIM 613571.

Allele frequency attached by ClinVar (database versions not stated): gnomAD exomes 0.00008 and 0.00021; 1000 Genomes Project 30x 0.00016; 1000 Genomes Project 0.00020; ExAC 0.00024; ESP Exome Variant Server 0.00062; gnomAD 0.00086 and 0.00093; TOPMed 0.00091.
gnomAD v4.1: 264 of 1,613,604 alleles (0.016%); highest among the groups gnomAD compares: African/African-American, 0.3%; 1 homozygote.

Submissions (3):

Labcorp Genetics (formerly Invitae), Labcorp
Classification: Likely benign for Congenital adrenal hyperplasia due to cytochrome P450 oxidoreductase deficiency. Last evaluated: 2026-01-14. Review status: criteria provided, single submitter. Criteria: Invitae Variant Classification Sherloc (09022015). Collection method: clinical testing. Allele origin: germline.

GeneDx
Classification: Uncertain significance. Last evaluated: 2025-01-06. Review status: criteria provided, single submitter. Criteria: GeneDx Variant Classification Process June 2021. Collection method: clinical testing. Allele origin: germline. Affected: yes.
Comment: In silico analysis indicates that this missense variant does not alter protein structure/function; This variant is associated with the following publications: (PMID: 32994263)

Illumina Laboratory Services, Illumina
Classification: Uncertain significance for Congenital adrenal hyperplasia due to cytochrome P450 oxidoreductase deficiency. Last evaluated: 2018-01-12. Review status: criteria provided, single submitter. Criteria: ICSL Variant Classification Criteria 13 December 2019. Collection method: clinical testing. Allele origin: germline.